The following is an entry in ClinVar:

ClinVar aggregate classification (germline): Uncertain significance (1 of 4 stars; one submission).

Conditions:
Familial cold autoinflammatory syndrome 2 (FCAS2). Identifiers: Orphanet 247868, MedGen C2673198, MONDO:0012724, OMIM 611762.

Submission:

Labcorp Genetics (formerly Invitae), Labcorp
Classification: Uncertain significance for Familial cold autoinflammatory syndrome 2. Last evaluated: 2024-02-26. Review status: criteria provided, single submitter. Criteria: Invitae Variant Classification Sherloc (09022015). Collection method: clinical testing. Allele origin: germline.
Comment: This sequence change replaces methionine, which is neutral and non-polar, with isoleucine, which is neutral and non-polar, at codon 436 of the NLRP12 protein (p.Met436Ile). This variant is not present in population databases (gnomAD no frequency). This variant has not been reported in the literature in individuals affected with NLRP12-related conditions. ClinVar contains an entry for this variant (Variation ID: 2124097). Advanced modeling of protein sequence and biophysical properties (such as structural, functional, and spatial information, amino acid conservation, physicochemical variation, residue mobility, and thermodynamic stability) performed at Invitae indicates that this missense variant is not expected to disrupt NLRP12 protein function with a negative predictive value of 80%. In summary, the available evidence is currently insufficient to determine the role of this variant in disease. Therefore, it has been classified as a Variant of Uncertain Significance.

NM_144687.4(NLRP12):c.1308G>T (p.Met436Ile)

Gene: NLRP12 (NLR family pyrin domain containing 12; minus strand). Cytogenetic location: 19q13.42.
Variant type: single nucleotide variant.
Coding change: c.1308G>T on transcript NM_144687.4 (MANE Select); coding-DNA position 1308, G replaced by T.
Protein change: p.Met436Ile; replaces methionine 436 with isoleucine.
Molecular consequence: missense variant.
Genome position (GRCh38, 1-based): chr19:53,810,351, C>A on the plus strand (G>T on the coding strand, the complement: NLRP12 is on the minus strand). VCF-style: chr19-53810351-C-A. GRCh37 (hg19) VCF-style: chr19-54313605-C-A.
Other names: c.1308G>T, p.Met436Ile (NM_001277126.2, NM_001277129.1); short protein forms M436I.
Identifiers: ClinVar variation 2124097 (VCV002124097.4), dbSNP rs2514340174, ClinGen allele CA407413804.